The following is an entry in ClinVar:

ClinVar aggregate classification (germline): Conflicting classifications of pathogenicity. Review status: criteria provided, conflicting classifications (1 of 4 stars). 5 submissions from 5 submitters: Likely pathogenic (1); Uncertain significance (4). Last evaluated 2026-07-19.

Conditions:
Dyskeratosis congenita, autosomal recessive 6 (DKCB6). Identifiers: MedGen C4225356, MONDO:0014600, OMIM 616353.
Pulmonary fibrosis and/or bone marrow failure, Telomere-related, 4. Also called: PULMONARY FIBROSIS AND/OR BONE MARROW FAILURE SYNDROME, TELOMERE-RELATED, 4. Identifiers: Orphanet 2032, MedGen C4225347, MONDO:0014612, OMIM 616371.
PARN-related disorder. Also called: PARN-related condition; PARN-related disorders.

Allele frequency attached by ClinVar (database versions not stated): gnomAD 0.00003 and 0.00004; gnomAD exomes 0.00003 and 0.00006; TOPMed 0.00003; ExAC 0.00015.
gnomAD v4.1: 53 of 1,574,392 alleles (0.0034%); highest among the groups gnomAD compares: Middle Eastern, 0.067%; no homozygotes.

Submissions (5):

PreventionGenetics, part of Exact Sciences
Classification: Uncertain significance for PARN-related condition. Last evaluated: 2026-07-19. Review status: criteria provided, single submitter. Criteria: ACMG Guidelines, 2015. Collection method: clinical testing. Allele origin: germline.
Comment: The PARN c.692A>G variant is predicted to result in the amino acid substitution p.Glu231Gly. To our knowledge, this variant has not been reported in the literature. This variant is reported in 0.022% of alleles in individuals of Latino descent in gnomAD. At this time, the clinical significance of this variant is uncertain due to the absence of conclusive functional and genetic evidence.

Labcorp Genetics (formerly Invitae), Labcorp
Classification: Uncertain significance for Dyskeratosis congenita, autosomal recessive 6; Pulmonary fibrosis and/or bone marrow failure, Telomere-related, 4. Last evaluated: 2025-09-15. Review status: criteria provided, single submitter. Criteria: Invitae Variant Classification Sherloc (09022015). Collection method: clinical testing. Allele origin: germline.
Comment: This sequence change replaces glutamic acid, which is acidic and polar, with glycine, which is neutral and non-polar, at codon 231 of the PARN protein (p.Glu231Gly). This variant is present in population databases (rs757910862, gnomAD 0.02%). This variant has not been reported in the literature in individuals affected with PARN-related conditions. ClinVar contains an entry for this variant (Variation ID: 803222). Invitae Evidence Modeling of protein sequence and biophysical properties (such as structural, functional, and spatial information, amino acid conservation, physicochemical variation, residue mobility, and thermodynamic stability) indicates that this missense variant is not expected to disrupt PARN protein function with a negative predictive value of 80%. In summary, the available evidence is currently insufficient to determine the role of this variant in disease. Therefore, it has been classified as a Variant of Uncertain Significance.

Genomic Medicine Center of Excellence, King Faisal Specialist Hospital and Research Centre
Classification: Uncertain significance for Dyskeratosis congenita, autosomal recessive 6. Last evaluated: 2024-09-22. Review status: criteria provided, single submitter. Criteria: ACMG Guidelines, 2015. Collection method: clinical testing. Allele origin: germline.

Blueprint Genetics
Classification: Uncertain significance. Last evaluated: 2022-12-15. Review status: criteria provided, single submitter. Criteria: ACMG Guidelines, 2015. Collection method: clinical testing. Allele origin: germline.

Mendelics
Classification: Likely pathogenic for Dyskeratosis congenita, autosomal recessive 6. Last evaluated: 2019-05-28. Review status: criteria provided, single submitter. Criteria: Mendelics Assertion Criteria 2017. Collection method: clinical testing. Allele origin: unknown.

NM_002582.4(PARN):c.692A>G (p.Glu231Gly)

Gene: PARN (poly(A)-specific ribonuclease; minus strand). Cytogenetic location: 16p13.12.
Variant type: single nucleotide variant.
Coding change: c.692A>G on transcript NM_002582.4 (MANE Select); coding-DNA position 692, A replaced by G.
Protein change: p.Glu231Gly; replaces glutamic acid 231 with glycine.
Molecular consequence: missense variant.
Genome position (GRCh38, 1-based): chr16:14,606,494, T>C on the plus strand (A>G on the coding strand, the complement: PARN is on the minus strand). VCF-style: chr16-14606494-T-C. GRCh37 (hg19) VCF-style: chr16-14700351-T-C.
Other names: c.509A>G, p.Glu170Gly (NM_001134477.3); c.554A>G, p.Glu185Gly (NM_001242992.2); short protein forms E185G, E170G, E231G.
Identifiers: ClinVar variation 803222 (VCV000803222.14), dbSNP rs757910862, ClinGen allele CA7912343.